The following is an entry in ClinVar:

ClinVar aggregate classification (germline): Uncertain significance (1 of 4 stars; one submission).

Conditions:
Cardiovascular phenotype. Identifiers: MedGen CN230736.

Submission:

Ambry Genetics
Classification: Uncertain significance for Cardiovascular phenotype. Last evaluated: 2026-02-28. Review status: criteria provided, single submitter. Criteria: Ambry Variant Classification Scheme 2023. Collection method: clinical testing. Allele origin: germline.
Comment: The p.S100C variant (also known as c.298A>T), located in coding exon 3 of the ENG gene, results from an A to T substitution at nucleotide position 298. The serine at codon 100 is replaced by cysteine, an amino acid with dissimilar properties. This amino acid position is conserved. In addition, this alteration is predicted to be tolerated by in silico analysis. Based on the available evidence, the clinical significance of this variant remains unclear.

NM_001114753.3(ENG):c.298A>T (p.Ser100Cys)

Gene: ENG (endoglin; minus strand). Cytogenetic location: 9q34.11.
Variant type: single nucleotide variant.
Coding change: c.298A>T on transcript NM_001114753.3 (MANE Select); coding-DNA position 298, A replaced by T.
Protein change: p.Ser100Cys; replaces serine 100 with cysteine.
Molecular consequence: missense variant. On other transcripts: 5 prime UTR variant (1).
Genome position (GRCh38, 1-based): chr9:127,829,749, T>A on the plus strand (A>T on the coding strand, the complement: ENG is on the minus strand). VCF-style: chr9-127829749-T-A. GRCh37 (hg19) VCF-style: chr9-130592028-T-A.
Other names: c.298A>T, p.Ser100Cys (NM_000118.4, NM_001406715.1); c.-249A>T (NM_001278138.2); short protein forms S100C.
Identifiers: ClinVar variation 4827231 (VCV004827231.1).
Genomic context (GRCh38, chr9:127,829,749, plus strand): 5'-AGGCCAAGTGCAGTGGGATTCCCAGGGCCTGGAGATGCAGGAAGACACTGCTGTTTACAC[T>A]GAGGACCAGAAGCACCTCTCGGGGCCAGGTGCCATTTTGCTTGGATGCCTGGAGAGTCAG-3'
Protein context (NP_001108225.1, residues 90-110): TWPREVLLVL[Ser100Cys]VNSSVFLHLQ